The following is an entry in ClinVar:

NM_000257.4(MYH7):c.4123T>C (p.Tyr1375His)

Gene: MYH7 (myosin heavy chain 7; minus strand). Cytogenetic location: 14q11.2.
Variant type: single nucleotide variant.
Coding change: c.4123T>C on transcript NM_000257.4 (MANE Select); coding-DNA position 4123, T replaced by C.
Protein change: p.Tyr1375His; replaces tyrosine 1375 with histidine.
Molecular consequence: missense variant.
Genome position (GRCh38, 1-based): chr14:23,418,256, A>G on the plus strand (T>C on the coding strand, the complement: MYH7 is on the minus strand). VCF-style: chr14-23418256-A-G. GRCh37 (hg19) VCF-style: chr14-23887465-A-G.
Other names: p.Y1375H:TAT>CAT; c.4123T>C (LRG_384t1); short protein forms Y1375H.
Identifiers: ClinVar variation 181242 (VCV000181242.13), dbSNP rs730880790, ClinGen allele CA014472.

ClinVar aggregate classification (germline): Conflicting classifications of pathogenicity. Review status: criteria provided, conflicting classifications (1 of 4 stars). 4 submissions from 4 submitters: Likely pathogenic (1); Uncertain significance (2). 1 of the submissions does not count toward it. Last evaluated 2026-04-17.

Conditions:
Cardiovascular phenotype. Identifiers: MedGen CN230736.
Hypertrophic cardiomyopathy 1 (CMH1). Also called: MYH7-Related Familial Hypertrophic Cardiomyopathy; Familial hypertrophic cardiomyopathy 1. Identifiers: MedGen C3495498, MONDO:0008647, OMIM 192600.
Hypertrophic cardiomyopathy. Also called: HYPERTROPHIC MYOCARDIOPATHY. Identifiers: Orphanet 217569, MedGen C0007194, MeSH D002312, MONDO:0005045, HP:0001639.

Submissions (4):

Ambry Genetics
Classification: Uncertain significance for Cardiovascular phenotype. Last evaluated: 2026-04-17. Review status: criteria provided, single submitter. Criteria: Ambry Variant Classification Scheme 2023. Collection method: clinical testing. Allele origin: germline.
Comment: The p.Y1375H variant (also known as c.4123T>C), located in coding exon 28 of the MYH7 gene, results from a T to C substitution at nucleotide position 4123. The tyrosine at codon 1375 is replaced by histidine, an amino acid with similar properties. This variant was reported in individual(s) with features consistent with hypertrophic cardiomyopathy (Homburger JR et al. Proc Natl Acad Sci U S A, 2016 Jun;113:6701-6; Ko C et al. Genet Med, 2018 Jan;20:69-75; Chung H et al. Cardiovasc Ultrasound, 2019 Oct;17:21). This amino acid position is highly conserved in available vertebrate species. In addition, this alteration is predicted to be deleterious by in silico analysis. Based on the available evidence, the clinical significance of this variant remains unclear.

Labcorp Genetics (formerly Invitae), Labcorp
Classification: Likely pathogenic for Hypertrophic cardiomyopathy. Last evaluated: 2022-10-31. Review status: criteria provided, single submitter. Criteria: Invitae Variant Classification Sherloc (09022015). Collection method: clinical testing. Allele origin: germline.
Comment: In summary, the currently available evidence indicates that the variant is pathogenic, but additional data are needed to prove that conclusively. Therefore, this variant has been classified as Likely Pathogenic. This variant disrupts the p.Tyr1375 amino acid residue in MYH7. Other variant(s) that disrupt this residue have been determined to be pathogenic (PMID: 28790153, 32894683). This suggests that this residue is clinically significant, and that variants that disrupt this residue are likely to be disease-causing. Advanced modeling of protein sequence and biophysical properties (such as structural, functional, and spatial information, amino acid conservation, physicochemical variation, residue mobility, and thermodynamic stability) performed at Invitae indicates that this missense variant is expected to disrupt MYH7 protein function. ClinVar contains an entry for this variant (Variation ID: 181242). This missense change has been observed in individual(s) with hypertrophic cardiomyopathy (PMID: 27247418, 33407484). This variant is not present in population databases (gnomAD no frequency). This sequence change replaces tyrosine, which is neutral and polar, with histidine, which is basic and polar, at codon 1375 of the MYH7 protein (p.Tyr1375His).

GeneDx
Classification: Uncertain significance. Last evaluated: 2017-08-11. Review status: criteria provided, single submitter. Criteria: GeneDx Variant Classification (06012015). Collection method: clinical testing. Allele origin: germline. Affected: yes.
Comment: A variant of uncertain significance has been identified in the MYH7 gene. The Y1375H variant has not been published as a pathogenic variant, nor has it been reported as a benign variant to our knowledge. The Y1375H variant was not observed in approximately 6,500 individuals of European and African American ancestry in the NHLBI Exome Sequencing Project, indicating it is not a common benign variant in these populations. Additionally, the Y1375H variant is a non-conservative amino acid substitution, which is likely to impact secondary protein structure as these residues differ in polarity, charge, size and/or other properties. This substitution occurs at a position that is conserved across species. In silico analysis predicts this variant is probably damaging to the protein structure/function. Nevertheless, this variant lacks sufficient evidence, such as segregation studies, functional studies and clinical data to support its pathogenicity.

Genomics England Pilot Project, Genomics England
Classification: Likely pathogenic for Hypertrophic cardiomyopathy 1. Review status: no assertion criteria provided. Criteria: ACGS Guidelines, 2016. Collection method: clinical testing. Allele origin: germline. Affected: yes. Not counted in ClinVar's aggregate classification.

Literature cited by the submitters: PubMed 27247418 (cited by Ambry Genetics and Labcorp Genetics (formerly Invitae), Labcorp); PubMed 28640247 (cited by Ambry Genetics); PubMed 30297972 (cited by Ambry Genetics); PubMed 31660989 (cited by Ambry Genetics); PubMed 33407484 (cited by Ambry Genetics and Labcorp Genetics (formerly Invitae), Labcorp); PubMed 34758253 (cited by Ambry Genetics); PubMed 28790153 (cited by Labcorp Genetics (formerly Invitae), Labcorp); PubMed 32894683 (cited by Labcorp Genetics (formerly Invitae), Labcorp).